The following is an entry in ClinVar:

ClinVar aggregate classification (germline): Pathogenic (1 of 4 stars; one submission).

Submission:

GeneDx
Classification: Pathogenic. Last evaluated: 2024-01-11. Review status: criteria provided, single submitter. Criteria: GeneDx Variant Classification Process June 2021. Collection method: clinical testing. Allele origin: germline.
Comment: Nonsense variant predicted to result in protein truncation or nonsense mediated decay in a gene for which loss of function is a known mechanism of disease; Not observed at significant frequency in large population cohorts (gnomAD); This variant is associated with the following publications: (PMID: 35595280, 21158681)

NM_017780.4(CHD7):c.1366C>T (p.Gln456Ter)

Gene: CHD7 (chromodomain helicase DNA binding protein 7; plus strand). Cytogenetic location: 8q12.2.
Variant type: single nucleotide variant.
Coding change: c.1366C>T on transcript NM_017780.4 (MANE Select); coding-DNA position 1366, C replaced by T.
Protein change: p.Gln456Ter; replaces glutamine 456 with a stop codon.
Molecular consequence: nonsense.
Genome position (GRCh38, 1-based): chr8:60,742,798, C>T. VCF-style: chr8-60742798-C-T. GRCh37 (hg19) VCF-style: chr8-61655357-C-T.
Other names: c.1366C>T, p.Gln456Ter (NM_001316690.1); short protein forms Q456*.
Identifiers: ClinVar variation 1810595 (VCV001810595.2), dbSNP rs548074036, ClinGen allele CA371302532.
Genomic context (GRCh38, chr8:60,742,798, plus strand): 5'-TCTCACCAGCCCCCTGGTGCCATGGGAATCGGACAGAGGAATATGGGCCCCAGAAACATG[C>T]AGCAGTCTCGTCCATTTATAGGCATGTCCTCGGCACCAAGGGAATTGACTGGGCACATGA-3'